The following is an entry in ClinVar:

NM_014639.4(SKIC3):c.2183A>G (p.Tyr728Cys)

Gene: SKIC3 (SKI3 subunit of superkiller complex; minus strand). Cytogenetic location: 5q15.
Variant type: single nucleotide variant.
Coding change: c.2183A>G on transcript NM_014639.4 (MANE Select); coding-DNA position 2183, A replaced by G.
Protein change: p.Tyr728Cys; replaces tyrosine 728 with cysteine.
Molecular consequence: missense variant.
Genome position (GRCh38, 1-based): chr5:95,517,254, T>C on the plus strand (A>G on the coding strand, the complement: SKIC3 is on the minus strand). VCF-style: chr5-95517254-T-C. GRCh37 (hg19) VCF-style: chr5-94852958-T-C.
Other names: short protein forms Y728C.
Identifiers: ClinVar variation 2059693 (VCV002059693.1), dbSNP rs562323676, ClinGen allele CA3347141.

ClinVar aggregate classification (germline): Uncertain significance (1 of 4 stars; one submission).

Allele frequency attached by ClinVar (database versions not stated): TOPMed below 0.00001; gnomAD exomes 0.00001; gnomAD 0.00003; ExAC 0.00004; 1000 Genomes Project 0.00020; 1000 Genomes Project 30x 0.00062.
gnomAD v4.1: 21 of 1,613,290 alleles (0.0013%); highest among the groups gnomAD compares: South Asian, 0.023%; 1 homozygote.

Submission:

Labcorp Genetics (formerly Invitae), Labcorp
Classification: Uncertain significance. Last evaluated: 2022-08-21. Review status: criteria provided, single submitter. Criteria: Invitae Variant Classification Sherloc (09022015). Collection method: clinical testing. Allele origin: germline.
Comment: This sequence change replaces tyrosine, which is neutral and polar, with cysteine, which is neutral and slightly polar, at codon 728 of the TTC37 protein (p.Tyr728Cys). This variant is present in population databases (rs562323676, gnomAD 0.03%), including at least one homozygous and/or hemizygous individual. This variant has not been reported in the literature in individuals affected with TTC37-related conditions. Algorithms developed to predict the effect of missense changes on protein structure and function (SIFT, PolyPhen-2, Align-GVGD) all suggest that this variant is likely to be tolerated. In summary, the available evidence is currently insufficient to determine the role of this variant in disease. Therefore, it has been classified as a Variant of Uncertain Significance.